The following is an entry in ClinVar:

NM_006393.3(NEBL):c.1039A>G (p.Lys347Glu)

Gene: NEBL (nebulette; minus strand). Cytogenetic location: 10p12.31.
Variant type: single nucleotide variant.
Coding change: c.1039A>G on transcript NM_006393.3 (MANE Select); coding-DNA position 1039, A replaced by G.
Protein change: p.Lys347Glu; replaces lysine 347 with glutamic acid.
Molecular consequence: missense variant. On other transcripts: intron variant (9).
Genome position (GRCh38, 1-based): chr10:20,850,472, T>C on the plus strand (A>G on the coding strand, the complement: NEBL is on the minus strand). VCF-style: chr10-20850472-T-C. GRCh37 (hg19) VCF-style: chr10-21139401-T-C.
Other names: c.250-37532A>G (NM_001377326.1, NM_001377327.1, NM_001377328.1); c.358-37532A>G (NM_213569.2, NM_001173484.2, NM_001377322.1); c.301-37532A>G (NM_001377324.1); c.292-37532A>G (NM_001377325.1); c.310-37532A>G (NM_001377323.1); c.1039A>G (NM_006393.2); short protein forms K347E.
Identifiers: ClinVar variation 1034617 (VCV001034617.10), dbSNP rs1842398385, ClinGen allele CA376099952.
Genomic context (GRCh38, chr10:20,850,472, plus strand): 5'-GAGCCTCCTTTGAAGCTTGATATGATGGTGTCTCAACAAATTCAAGCATTGGCTTTCCCT[T>C]ATTTTTCTCATATTCTTCTTTATATTTCACCTTCATTGGAAAAAGAAAAGCATATACAAA-3'
Protein context (NP_006384.1, residues 337-357): VKYKEEYEKN[Lys347Glu]GKPMLEFVET

ClinVar aggregate classification (germline): Uncertain significance. Review status: criteria provided, multiple submitters, no conflicts (2 of 4 stars). 2 submissions from 2 submitters: Uncertain significance (2). Last evaluated 2025-11-07.

Conditions:
Primary dilated cardiomyopathy (DCM). Also called: Dilated Cardiomyopathy. Identifiers: Orphanet 217604, MedGen C0007193, MeSH D002311, MONDO:0005021, HP:0001644. Inheritance: Various modes of inheritance.

Allele frequency attached by ClinVar (database versions not stated): gnomAD exomes below 0.00001.
gnomAD v4.1: 1 of 1,609,298 alleles (0.000062%); highest among the groups gnomAD compares: Non-Finnish European, 0.000085%; no homozygotes.

Submissions (2):

Ambry Genetics
Classification: Uncertain significance. Last evaluated: 2025-11-07. Review status: criteria provided, single submitter. Criteria: Ambry Variant Classification Scheme 2023. Collection method: clinical testing. Allele origin: germline.
Comment: The p.K347E variant (also known as c.1039A>G), located in coding exon 11 of the NEBL gene, results from an A to G substitution at nucleotide position 1039. The lysine at codon 347 is replaced by glutamic acid, an amino acid with similar properties. This amino acid position is conserved. In addition, the in silico prediction for this alteration is inconclusive. Based on the available evidence, the clinical significance of this variant remains unclear.

Labcorp Genetics (formerly Invitae), Labcorp
Classification: Uncertain significance for Primary dilated cardiomyopathy. Last evaluated: 2020-05-26. Review status: criteria provided, single submitter. Criteria: Invitae Variant Classification Sherloc (09022015). Collection method: clinical testing. Allele origin: germline.
Comment: In summary, the available evidence is currently insufficient to determine the role of this variant in disease. Therefore, it has been classified as a Variant of Uncertain Significance. Algorithms developed to predict the effect of missense changes on protein structure and function (SIFT, PolyPhen-2, Align-GVGD) all suggest that this variant is likely to be disruptive, but these predictions have not been confirmed by published functional studies and their clinical significance is uncertain. This variant has not been reported in the literature in individuals with NEBL-related conditions. This variant is not present in population databases (ExAC no frequency). This sequence change replaces lysine with glutamic acid at codon 347 of the NEBL protein (p.Lys347Glu). The lysine residue is highly conserved and there is a small physicochemical difference between lysine and glutamic acid.